The following is an entry in ClinVar:

ClinVar aggregate classification (germline): Uncertain significance (1 of 4 stars; one submission).

Conditions:
Joubert syndrome. Also called: CEREBELLOPARENCHYMAL DISORDER IV; JOUBERT-BOLTSHAUSER SYNDROME; Familial aplasia of the vermis. Identifiers: Orphanet 475, MedGen C5979921, MONDO:0018772.
Meckel-Gruber syndrome. Also called: DYSENCEPHALIA SPLANCHNOCYSTICA; GRUBER SYNDROME; Dysencephalia splachnocystica. Identifiers: Orphanet 564, MedGen C0265215, MONDO:0018921.

Allele frequency attached by ClinVar (database versions not stated): gnomAD exomes 0.00001.
gnomAD v4.1: 17 of 1,614,050 alleles (0.0011%); highest among the groups gnomAD compares: Non-Finnish European, 0.0014%; no homozygotes.

Submission:

Labcorp Genetics (formerly Invitae), Labcorp
Classification: Uncertain significance for Joubert syndrome; Meckel-Gruber syndrome. Last evaluated: 2022-06-11. Review status: criteria provided, single submitter. Criteria: Invitae Variant Classification Sherloc (09022015). Collection method: clinical testing. Allele origin: germline.
Comment: In summary, the available evidence is currently insufficient to determine the role of this variant in disease. Therefore, it has been classified as a Variant of Uncertain Significance. Advanced modeling of protein sequence and biophysical properties (such as structural, functional, and spatial information, amino acid conservation, physicochemical variation, residue mobility, and thermodynamic stability) performed at Invitae indicates that this missense variant is expected to disrupt MKS1 protein function. This variant has not been reported in the literature in individuals affected with MKS1-related conditions. This variant is present in population databases (no rsID available, gnomAD 0.002%). This sequence change replaces leucine, which is neutral and non-polar, with histidine, which is basic and polar, at codon 311 of the MKS1 protein (p.Leu311His).

NM_017777.4(MKS1):c.932T>A (p.Leu311His)

Gene: MKS1 (MKS transition zone complex subunit 1; minus strand). Cytogenetic location: 17q22.
Variant type: single nucleotide variant.
Coding change: c.932T>A on transcript NM_017777.4 (MANE Select); coding-DNA position 932, T replaced by A.
Protein change: p.Leu311His; replaces leucine 311 with histidine.
Molecular consequence: missense variant.
Genome position (GRCh38, 1-based): chr17:58,211,006, A>T on the plus strand (T>A on the coding strand, the complement: MKS1 is on the minus strand). VCF-style: chr17-58211006-A-T. GRCh37 (hg19) VCF-style: chr17-56288367-A-T.
Other names: c.323T>A, p.Leu108His (NM_001321268.2); c.932T>A, p.Leu311His (NM_001321269.2, NM_001330397.2, NM_001411113.1); short protein forms L311H, L108H.
Identifiers: ClinVar variation 2161000 (VCV002161000.4), dbSNP rs1304907848, ClinGen allele CA400326146.
Genomic context (GRCh38, chr17:58,211,006, plus strand): 5'-AGCATCAAGAGATCTATGCTAGCAAGACACTTACCGACCTCTCCATTTACAAAGAGCCGG[A>T]GGGCACCTGGGACAGTCTAAGGTGAAGAGAAGTGGGAAAGGATCAGCAGGCCTGGAGGGA-3'
Protein context (NP_060247.2, residues 301-321): TDFEMTVPGA[Leu311His]RLFVNGEVVS